The following is an entry in ClinVar:

NM_001042492.3(NF1):c.4333-2del

Gene: NF1 (neurofibromin 1; plus strand). Cytogenetic location: 17q11.2.
Variant type: Deletion.
Coding change: c.4333-2del on transcript NM_001042492.3 (MANE Select); the canonical splice acceptor site of the intron before coding-DNA position 4333, one base deleted (A; older notation c.4333-2delA).
Molecular consequence: splice acceptor variant.
Genome position (GRCh38, 1-based): chr17:31,259,030, A deleted. VCF-style (leftmost placement, unchanged base first): chr17-31259029-TA-T. GRCh37 (hg19) VCF-style: chr17-29586047-TA-T.
Other names: c.4270-2delA (NM_000267.3); c.4270-2del (NM_000267.4).
Identifiers: ClinVar variation 280419 (VCV000280419.4), dbSNP rs886041630, ClinGen allele CA10603371.

ClinVar aggregate classification (germline): Pathogenic/Likely pathogenic. Review status: criteria provided, multiple submitters, no conflicts (2 of 4 stars). 2 submissions from 2 submitters: Pathogenic (1); Likely pathogenic (1). Last evaluated 2024-02-01.

Conditions:
Neurofibromatosis, type 1 (NF1). Also called: Peripheral type neurofibromatosis; Neurofibromatosis, type I; NEUROFIBROMATOSIS, TYPE I, SOMATIC; VON RECKLINGHAUSEN DISEASE. Identifiers: Orphanet 636, MedGen C0027831, MONDO:0018975, OMIM 162200. Disease mechanism: loss of function.

Submissions (2):

Labcorp Genetics (formerly Invitae), Labcorp
Classification: Likely pathogenic for Neurofibromatosis, type 1. Last evaluated: 2024-02-01. Review status: criteria provided, single submitter. Criteria: Invitae Variant Classification Sherloc (09022015). Collection method: clinical testing. Allele origin: germline.
Comment: This sequence change affects a splice site in intron 31 of the NF1 gene. It is expected to disrupt RNA splicing. Variants that disrupt the donor or acceptor splice site typically lead to a loss of protein function (PMID: 16199547), and loss-of-function variants in NF1 are known to be pathogenic (PMID: 10712197, 23913538). This variant is not present in population databases (gnomAD no frequency). This variant has not been reported in the literature in individuals affected with NF1-related conditions. ClinVar contains an entry for this variant (Variation ID: 280419). Algorithms developed to predict the effect of sequence changes on RNA splicing suggest that this variant may disrupt the consensus splice site. In summary, the currently available evidence indicates that the variant is pathogenic, but additional data are needed to prove that conclusively. Therefore, this variant has been classified as Likely Pathogenic.

GeneDx
Classification: Pathogenic. Last evaluated: 2016-03-11. Review status: criteria provided, single submitter. Criteria: GeneDx Variant Classification (06012015). Collection method: clinical testing. Allele origin: germline. Affected: yes.
Comment: The c.4270-2delA pathogenic variant in the NF1 gene has not been reported previously as a pathogenic variant nor as a benign variant, to our knowledge. The c.4270-2delA variant results in the deletion of a nucleotide at the intron 31/exon 32 boundary, which destroys the canonical splice acceptor site in intron 31. It is predicted to cause abnormal gene splicing, either leading to an abnormal message that is subject to nonsense-mediated mRNA decay, or to an abnormal protein product if the message is used for protein translation. The c.4270-2delA variant was not observed in approximately 6500 individuals of European and African American ancestry in the NHLBI Exome Sequencing Project, indicating it is not a common benign variant in these populations. We interpret c.4270-2delA as a pathogenic variant.

Literature cited by the submitters: PubMed 16199547 (cited by Labcorp Genetics (formerly Invitae), Labcorp); PubMed 10712197 (cited by Labcorp Genetics (formerly Invitae), Labcorp); PubMed 23913538 (cited by Labcorp Genetics (formerly Invitae), Labcorp).